The following is an entry in ClinVar:

ClinVar aggregate classification (germline): Uncertain significance (1 of 4 stars; one submission).

Submission:

GeneDx
Classification: Uncertain significance. Last evaluated: 2026-03-14. Review status: criteria provided, single submitter. Criteria: GeneDx Variant Classification Process June 2021. Collection method: clinical testing. Allele origin: germline.
Comment: Not observed at significant frequency in large population cohorts (gnomAD); In-frame deletion of 1 amino acid in a non-repeat region; In silico analysis supports a deleterious effect on protein structure/function; Has not been previously published as pathogenic or benign to our knowledge

NM_001330700.2(TOP2B):c.2582_2584del (p.Trp861del)

Gene: TOP2B (DNA topoisomerase II beta; minus strand). Cytogenetic location: 3p24.2.
Variant type: Deletion.
Coding change: c.2582_2584del on transcript NM_001330700.2 (MANE Select); coding-DNA positions 2582 to 2584, 3 bases deleted (GGT; older notation c.2582_2584delGGT).
Protein change: p.Trp861del; deletes tryptophan 861.
Molecular consequence: inframe deletion.
Genome position (GRCh38, 1-based): chr3:25,623,658-25,623,660, ACC deleted on the plus strand (GGT on the coding strand, the reverse complement: TOP2B is on the minus strand); deleting any 3 consecutive bases within chr3:25,623,658-25,623,662 gives the same sequence; the c. name uses the placement nearest the transcript's 3' end. VCF-style (leftmost placement, unchanged base first): chr3-25623657-TACC-T. GRCh37 (hg19) VCF-style: chr3-25665148-TACC-T.
Other names: c.2567_2569del, p.Trp856del (NM_001068.3); short protein forms W861del, W856del.
Identifiers: ClinVar variation 5008946 (VCV005008946.1).
Genomic context (GRCh38, chr3:25,623,657, plus strand): 5'-GCCCATCCAGTACCAATGCCCTCAGCACCATTTATTAAAACCATGGGAATTATAGGAATA[TACC>T]ACTCAGGCTCTACACGTTGATTATCATCATAAAGGAACTTAAGGAGGTTGTCATCCACAG-3'